The following is an entry in ClinVar:

NM_033400.3(ZFHX2):c.3616C>T (p.Leu1206=)

Genes: THTPA (thiamine triphosphatase; plus strand), ZFHX2 (zinc finger homeobox 2; minus strand). Cytogenetic location: 14q11.2.
Variant type: single nucleotide variant.
Coding change: c.3616C>T on transcript NM_033400.3 (MANE Select); coding-DNA position 3616, C replaced by T.
Protein change: p.Leu1206=; no amino-acid change (leucine 1206 retained).
Molecular consequence: synonymous variant.
Genome position (GRCh38, 1-based): chr14:23,526,326, G>A on the plus strand (C>T on the coding strand, the complement: ZFHX2 is on the minus strand). VCF-style: chr14-23526326-G-A. GRCh37 (hg19) VCF-style: chr14-23995535-G-A.
Identifiers: ClinVar variation 3048426 (VCV003048426.2), dbSNP rs949890353, ClinGen allele CA257794113.

ClinVar aggregate classification (germline): Likely benign (0 of 4 stars; one submission).

Conditions:
ZFHX2-related disorder. Also called: ZFHX2-related condition.

Allele frequency attached by ClinVar (database versions not stated): gnomAD exomes 0.00001; gnomAD 0.00014; TOPMed 0.00028; 1000 Genomes Project 30x 0.00062.
gnomAD v4.1: 31 of 1,536,290 alleles (0.002%); highest among the groups gnomAD compares: Admixed American, 0.049%; no homozygotes.

Submission:

PreventionGenetics, part of Exact Sciences
Classification: Likely benign for ZFHX2-related condition. Last evaluated: 2019-11-21. Review status: no assertion criteria provided. Collection method: clinical testing. Allele origin: germline.
Comment: This variant is classified as likely benign based on ACMG/AMP sequence variant interpretation guidelines (Richards et al. 2015 PMID: 25741868, with internal and published modifications).